The following is an entry in ClinVar:

NM_014112.5(TRPS1):c.1076C>T (p.Ser359Leu)

Gene: TRPS1 (transcriptional repressor GATA binding 1; minus strand). Cytogenetic location: 8q23.3.
Variant type: single nucleotide variant.
Coding change: c.1076C>T on transcript NM_014112.5 (MANE Select); coding-DNA position 1076, C replaced by T.
Protein change: p.Ser359Leu; replaces serine 359 with leucine.
Molecular consequence: missense variant.
Genome position (GRCh38, 1-based): chr8:115,604,893, G>A on the plus strand (C>T on the coding strand, the complement: TRPS1 is on the minus strand). VCF-style: chr8-115604893-G-A. GRCh37 (hg19) VCF-style: chr8-116617120-G-A.
Other names: c.1049C>T, p.Ser350Leu (NM_001282902.3); c.1055C>T, p.Ser352Leu (NM_001282903.3); c.1037C>T, p.Ser346Leu (NM_001330599.2); short protein forms S346L, S350L, S352L, S359L.
Identifiers: ClinVar variation 5041548 (VCV005041548.1).

ClinVar aggregate classification (germline): Uncertain significance (1 of 4 stars; one submission).

gnomAD v4.1: 1 of 1,614,070 alleles (0.000062%); highest among the groups gnomAD compares: Non-Finnish European, 0.000085%; no homozygotes.

Submission:

CeGaT Center for Human Genetics Tuebingen
Classification: Uncertain significance. Last evaluated: 2026-09-01. Review status: criteria provided, single submitter. Criteria: CeGaT Center For Human Genetics Tuebingen Variant Classification Criteria Version 2. Collection method: clinical testing. Allele origin: germline. Affected: yes. Observed: 1 variant allele.
Comment: TRPS1: PM2, PP2